The following is an entry in ClinVar:

ClinVar aggregate classification (germline): Likely pathogenic (1 of 4 stars; one submission).

Conditions:
Autosomal recessive limb-girdle muscular dystrophy. Identifiers: Orphanet 102015, MedGen C2931907, MONDO:0015152.

Submission:

Myriad Genetics, Inc.
Classification: Likely pathogenic for Autosomal recessive limb-girdle muscular dystrophy. Last evaluated: 2020-01-21. Review status: criteria provided, single submitter. Criteria: Myriad Autosomal Dominant, Autosomal Recessive and X-Linked Classification Criteria (2023). Collection method: clinical testing. Allele origin: unknown.
Comment: NM_003494.3(DYSF):c.2596G>T(E866*) is expected to be pathogenic in the context of dysferlinopathy. This variant is predicted to lead to an abnormal or absent protein product due to the creation of a premature termination codon in DYSF, a gene where loss-of-function variants are known to be pathogenic. Please note: this variant was assessed in the context of healthy population screening.

NM_001130987.2(DYSF):c.2650G>T (p.Glu884Ter)

Gene: DYSF (dysferlin; plus strand). Cytogenetic location: 2p13.2.
Variant type: single nucleotide variant.
Coding change: c.2650G>T on transcript NM_001130987.2 (MANE Select); coding-DNA position 2650, G replaced by T.
Protein change: p.Glu884Ter; replaces glutamic acid 884 with a stop codon.
Molecular consequence: nonsense.
Genome position (GRCh38, 1-based): chr2:71,568,035, G>T. VCF-style: chr2-71568035-G-T. GRCh37 (hg19) VCF-style: chr2-71795165-G-T.
Other names: c.2599G>T, p.Glu867Ter (NM_001130455.2, NM_001130983.2); c.2554G>T, p.Glu852Ter (NM_001130976.2, NM_001130977.2); c.2596G>T, p.Glu866Ter (NM_001130978.2, NM_003494.4); c.2689G>T, p.Glu897Ter (NM_001130979.2); c.2647G>T, p.Glu883Ter (NM_001130980.2, NM_001130981.2); c.2692G>T, p.Glu898Ter (NM_001130982.2); c.2557G>T, p.Glu853Ter (NM_001130984.2, NM_001130986.2); c.2650G>T, p.Glu884Ter (NM_001130985.2); short protein forms E852*, E853*, E866*, E867*, E883*, E884*, E897*, E898*.
Identifiers: ClinVar variation 983673 (VCV000983673.4), dbSNP rs2092210085, ClinGen allele CA347213735.